The following is an entry in ClinVar:

NM_003743.5(NCOA1):c.1948A>G (p.Ile650Val)

Gene: NCOA1 (nuclear receptor coactivator 1; plus strand). Cytogenetic location: 2p23.3.
Variant type: single nucleotide variant.
Coding change: c.1948A>G on transcript NM_003743.5 (MANE Select); coding-DNA position 1948, A replaced by G.
Protein change: p.Ile650Val; replaces isoleucine 650 with valine.
Molecular consequence: missense variant.
Genome position (GRCh38, 1-based): chr2:24,707,418, A>G. VCF-style: chr2-24707418-A-G. GRCh37 (hg19) VCF-style: chr2-24930287-A-G.
Other names: c.1948A>G, p.Ile650Val (NM_001362950.1, NM_001362952.1, NM_001362954.1 and 3 more transcripts); short protein forms I650V.
Identifiers: ClinVar variation 3354950 (VCV003354950.2).

ClinVar aggregate classification (germline): Uncertain significance. Review status: criteria provided, single submitter (1 of 4 stars). 2 submissions from 2 submitters: Uncertain significance (1). 1 of the submissions does not count toward it. Last evaluated 2024-12-20.

Conditions:
NCOA1-related disorder. Also called: NCOA1-related condition.

gnomAD v4.1: 9 of 1,614,102 alleles (0.00056%); highest among the groups gnomAD compares: Middle Eastern, 0.016%; no homozygotes.

Submissions (2):

Ambry Genetics
Classification: Uncertain significance. Last evaluated: 2024-12-20. Review status: criteria provided, single submitter. Criteria: Ambry Variant Classification Scheme 2023. Collection method: clinical testing. Allele origin: germline.

PreventionGenetics, part of Exact Sciences
Classification: Uncertain significance for NCOA1-related condition. Last evaluated: 2023-10-18. Review status: no assertion criteria provided. Collection method: clinical testing. Allele origin: germline. Not counted in ClinVar's aggregate classification.
Comment: The NCOA1 c.1948A>G variant is predicted to result in the amino acid substitution p.Ile650Val. To our knowledge, this variant has not been reported in the literature. This variant is reported in 0.0023% of alleles in individuals of European (Non-Finnish) descent in gnomAD. At this time, the clinical significance of this variant is uncertain due to the absence of conclusive functional and genetic evidence.